The following is an entry in ClinVar:

ClinVar aggregate classification (germline): Conflicting classifications of pathogenicity. Review status: criteria provided, conflicting classifications (1 of 4 stars). 3 submissions from 3 submitters: Uncertain significance (1); Likely benign (1). 1 of the submissions does not count toward it. Last evaluated 2023-03-23.

Conditions:
Hereditary cancer-predisposing syndrome. Also called: Hereditary Cancer Syndrome; Neoplastic Syndromes, Hereditary; Hereditary neoplastic syndrome; Tumor predisposition. Identifiers: Orphanet 140162, MedGen C0027672, MeSH D009386, MONDO:0015356.
Breast-ovarian cancer, familial, susceptibility to, 2 (BROVCA2). Also called: BRCA2 Hereditary Breast and Ovarian Cancer. Identifiers: Orphanet 145, MedGen C2675520, MONDO:0012933, OMIM 612555. Disease mechanism: loss of function.

Submissions (3):

University of Washington Department of Laboratory Medicine, University of Washington
Classification: Likely benign for Hereditary cancer-predisposing syndrome. Last evaluated: 2023-03-23. Review status: criteria provided, single submitter. Criteria: Dines et al. (Genet Med. 2020). Collection method: curation. Allele origin: germline.
Comment: Missense variant in a coldspot region where missense variants are very unlikely to be pathogenic (PMID:31911673).

BRCA2 exon 11 coldspot. Reclassification based on statistical prior probability.

Mendelics
Classification: Uncertain significance for Breast-ovarian cancer, familial, susceptibility to, 2. Last evaluated: 2019-05-28. Review status: criteria provided, single submitter. Criteria: Mendelics Assertion Criteria 2017. Collection method: clinical testing. Allele origin: unknown.

Sharing Clinical Reports Project (SCRP)
Classification: Uncertain significance for Breast-ovarian cancer, familial 2. Last evaluated: 2010-02-12. Review status: no assertion criteria provided. Collection method: clinical testing. Allele origin: germline. Not counted in ClinVar's aggregate classification.

NM_000059.4(BRCA2):c.5467A>G (p.Lys1823Glu)

Gene: BRCA2 (BRCA2 DNA repair associated; plus strand). Cytogenetic location: 13q13.1.
Variant type: single nucleotide variant.
Coding change: c.5467A>G on transcript NM_000059.4 (MANE Select); coding-DNA position 5467, A replaced by G.
Protein change: p.Lys1823Glu; replaces lysine 1823 with glutamic acid.
Molecular consequence: missense variant.
Genome position (GRCh38, 1-based): chr13:32,339,822, A>G. VCF-style: chr13-32339822-A-G. GRCh37 (hg19) VCF-style: chr13-32913959-A-G.
Other names: 5695A>G; short protein forms K1823E.
Identifiers: ClinVar variation 96821 (VCV000096821.6), dbSNP rs276174858, ClinGen allele CA022382.